The following is an entry in ClinVar:

ClinVar aggregate classification (germline): Conflicting classifications of pathogenicity. Review status: criteria provided, conflicting classifications (1 of 4 stars). 13 submissions from 13 submitters: Pathogenic (2); Likely pathogenic (4); Uncertain significance (6). 1 of the submissions does not count toward it. Last evaluated 2026-03-13.

Conditions:
Autosomal recessive Alport syndrome (ATS2). Also called: COL4A3-Related Nephropathy; Alport syndrome type 2; ALPORT SYNDROME 2, AUTOSOMAL RECESSIVE; COL4A4 Alport Syndrome and Thin Basement Membrane Nephropathy. Identifiers: Orphanet 63, Orphanet 88919, MedGen C4746745, MONDO:0008762, OMIM 203780.
Inborn genetic diseases. Identifiers: MedGen C0950123, MeSH D030342.
Alport syndrome. Also called: Hemorrhagic familial nephritis; Hemorrhagic hereditary nephritis; Congenital hereditary hematuria. Identifiers: Orphanet 63, MedGen C1567741, MONDO:0018965.
Autosomal dominant Alport syndrome (ATS3A). Also called: ALPORT SYNDROME 3A, AUTOSOMAL DOMINANT; Alport syndrome dominant type; Renal failure and sensorineural hearing loss. Identifiers: Orphanet 63, Orphanet 88918, MedGen C5882663, MONDO:0007086, OMIM 104200.
Benign familial hematuria. Also called: thin basement membrane disease. Identifiers: MedGen C0241908, MONDO:0957317.

Allele frequency attached by ClinVar (database versions not stated): gnomAD 0.00001; ExAC 0.00002; gnomAD exomes 0.00001 and 0.00003; TOPMed 0.00001.
gnomAD v4.1: 15 of 1,613,638 alleles (0.00093%); highest among the groups gnomAD compares: Middle Eastern, 0.016%; no homozygotes.

Submissions (13):

Centre de Génétique Humaine, Institut de Pathologie Et de Génétique
Classification: Likely pathogenic for Autosomal dominant Alport syndrome. Last evaluated: 2026-03-13. Review status: criteria provided, single submitter. Criteria: ACMG Guidelines, 2015. Collection method: clinical testing. Allele origin: germline. Inheritance: Autosomal dominant inheritance. Affected: yes. Observed: 2 variant alleles, 2 heterozygotes. Clinical features observed: Microscopic hematuria (HP:0002907), Stage 3 chronic kidney disease (HP:0012625), Stage 2 chronic kidney disease (HP:0012624). Segregation with disease not observed.
Comment: This missense variant involves a highly conserved glycine located in a ‘Gly-X-Y’ motif in collagenous region, which is characteristic of the pathogenic variants identified in the COL4A3 gene (PM1,PP2). This variant is rare: allelic frequency of 0.00093% in gnomAD v4.1.0 database (PM2); In silico analysis supports that this missense variant has a deleterious effect (PP3). Detected in patients of one family with AD Alport S. (PP5)

Myriad Genetics, Inc.
Classification: Pathogenic for Alport syndrome. Last evaluated: 2025-12-29. Review status: criteria provided, single submitter. Criteria: Myriad Autosomal Dominant, Autosomal Recessive and X-Linked Classification Criteria (2023). Collection method: clinical testing. Allele origin: unknown.
Comment: NM_000091.4(COL4A3):c.361G>A(G121S) is a missense variant classified as pathogenic in the context of Alport syndrome, COL4A3-related. G121S has been observed in a case with relevant disease (PMID: 33369211, 39810285). Relevant functional assessments of this variant are not available in the literature. Internal structural analysis of the variant is supportive of pathogenicity. G121S has been observed in referenced population frequency databases. In summary, NM_000091.4(COL4A3):c.361G>A(G121S) is a missense variant that has been observed more frequently in cases with the relevant disease than in healthy populations. Please note: this variant was assessed in the context of healthy population screening.

Dasa
Classification: Uncertain significance. Last evaluated: 2025-10-20. Review status: criteria provided, single submitter. Criteria: DASA Assertion Criteria. Collection method: clinical testing. Allele origin: germline.
Comment: NM_000091.5(COL4A3):c.361G>A (p.Gly121Ser) is a missense variant that results in the substitution of glycine with serine. The affected residue or protein region has prior evidence supporting clinical relevance. This variant is rare in population databases. Computational prediction algorithms are consistent with a deleterious effect. The currently available literature and clinical evidence are not sufficient to establish a definitive association between this variant and the reported condition. Therefore, this variant is classified as a variant of uncertain significance.

Natera, Inc.
Classification: Pathogenic for Alport syndrome. Last evaluated: 2025-10-10. Review status: criteria provided, single submitter. Criteria: Natera Variant Classification Schema (03/2026). Collection method: clinical testing. Allele origin: germline.
Comment: The c.361G>A variant in COL4A3 is a missense variant predicted to cause substitution of glycine to serine at amino acid 121. This variant is rare in the general population with a frequency below the threshold expected for the associated phenotype(s). This variant has been observed in one or more individuals affected with the associated recessive disease, as either homozygous or compound heterozygous with a second variant (PMID: 33369211). This variant has been observed in affected individual(s) with monoallelic occurrence (heterozygous/hemizygous) (PMID: 40303201, 39810285, 34632641). This variant is located in a functionally critical region of the protein. Computational prediction algorithms indicate this variant is likely to affect gene or protein function. Given the available evidence, this variant is classified as Pathogenic.

Labcorp Genetics (formerly Invitae), Labcorp
Classification: Uncertain significance. Last evaluated: 2025-09-08. Review status: criteria provided, single submitter. Criteria: Invitae Variant Classification Sherloc (09022015). Collection method: clinical testing. Allele origin: germline.
Comment: This sequence change replaces glycine, which is neutral and non-polar, with serine, which is neutral and polar, at codon 121 of the COL4A3 protein (p.Gly121Ser). The frequency data for this variant in the population databases is considered unreliable, as metrics indicate poor data quality at this position in the gnomAD database. This missense change has been observed in individual(s) with Alport syndrome (PMID: 33369211). ClinVar contains an entry for this variant (Variation ID: 522453). Invitae Evidence Modeling of protein sequence and biophysical properties (such as structural, functional, and spatial information, amino acid conservation, physicochemical variation, residue mobility, and thermodynamic stability) has been performed for this missense variant. However, the output from this modeling did not meet the statistical confidence thresholds required to predict the impact of this variant on COL4A3 protein function. In summary, the available evidence is currently insufficient to determine the role of this variant in disease. Therefore, it has been classified as a Variant of Uncertain Significance.

GeneDx
Classification: Uncertain significance. Last evaluated: 2025-01-06. Review status: criteria provided, single submitter. Criteria: GeneDx Variant Classification Process June 2021. Collection method: clinical testing. Allele origin: germline.
Comment: Affects a glycine residue in a Gly-X-Y motif in the triple helical region of the COL4A3 gene; In silico analysis supports that this missense variant has a deleterious effect on protein structure/function; This variant is associated with the following publications: (PMID: 34632641, 33369211)

Ambry Genetics
Classification: Uncertain significance for Inborn genetic diseases. Last evaluated: 2023-09-15. Review status: criteria provided, single submitter. Criteria: Ambry Variant Classification Scheme 2023. Collection method: clinical testing. Allele origin: germline.
Comment: The c.361G>A (p.G121S) alteration is located in exon 6 (coding exon 6) of the COL4A3 gene. This alteration results from a G to A substitution at nucleotide position 361, causing the glycine (G) at amino acid position 121 to be replaced by a serine (S). Based on data from gnomAD, the A allele has an overall frequency of 0.003% (8/280812) total alleles studied. The highest observed frequency was 0.014% (5/35334) of Latino alleles. This amino acid position is highly conserved in available vertebrate species. The p.G212 amino acid is located within the triple-helical domain of the collagen type IV alpha 3 chain and this variant affects one of the highly conserved glycine residues in the Gly-X-Y motif that make up this domain (Ramshaw, 1998). This alteration is predicted to be deleterious by in silico analysis. Based on insufficient or conflicting evidence, the clinical significance of this alteration remains unclear.

Blueprint Genetics
Classification: Uncertain significance. Last evaluated: 2023-06-19. Review status: criteria provided, single submitter. Criteria: ACMG Guidelines, 2015. Collection method: clinical testing. Allele origin: germline.

ARUP Laboratories, Molecular Genetics and Genomics, ARUP Laboratories
Classification: Likely pathogenic. Last evaluated: 2023-05-03. Review status: criteria provided, single submitter. Criteria: ARUP Molecular Germline Variant Investigation Process 2024. Collection method: clinical testing. Allele origin: germline.
Comment: The COL4A3 c.361G>A; p.Gly121Ser variant (rs778886174) is reported in the literature in two compound heterozygous individuals with autosomal recessive Alport syndrome (Uliana 2021). This variant is also reported in ClinVar (Variation ID: 522453) and is found in the general population with an overall allele frequency of 0.003% (8/280812 alleles) in the Genome Aggregation Database. Computational analyses predict that this variant is deleterious (REVEL: 0.908). Additionally, this glycine occurs in a Gly-X-Y repeat region in a collagen triple helix region, a critical functional domain (Savige 2021). Based on the available information, this variant is considered to be likely pathogenic. References: Savige J et al. Consensus statement on standards and guidelines for the molecular diagnostics of Alport syndrome: refining the ACMG criteria. Eur J Hum Genet. 2021 Aug;29(8):1186-1197. PMID: 33854215. Uliana V et al. Deciphering the pathogenesis of the COL4-related hematuric nephritis: A genotype/phenotype study. Mol Genet Genomic Med. 2021 Feb;9(2):e1576. PMID: 33369211.

Medical Genetics, University of Parma
Classification: Likely pathogenic for Autosomal recessive Alport syndrome. Last evaluated: 2020-03-11. Review status: criteria provided, single submitter. Criteria: ACMG Guidelines, 2015. Collection method: clinical testing. Allele origin: germline. Affected: yes.

University of Iowa Renal Genetics Clinic, University of Iowa
Classification: Likely pathogenic for Autosomal recessive Alport syndrome; Autosomal dominant Alport syndrome; Hematuria, benign familial, 1. Last evaluated: 2019-07-17. Review status: criteria provided, single submitter. Criteria: ACMG Guidelines, 2015. Collection method: clinical testing. Allele origin: germline. Inheritance: Autosomal dominant inheritance. Affected: yes. Observed: 1 hemizygote.
Comment: This variant meets the following 2015 ACMG Guideline criteria: PM1, PM2, PP2, and PP3.

Laboratory for Molecular Medicine, Mass General Brigham Personalized Medicine
Classification: Uncertain significance. Last evaluated: 2018-08-08. Review status: criteria provided, single submitter. Criteria: LMM Criteria. Collection method: clinical testing. Allele origin: germline. Observed: 1 variant allele.
Comment: The p.Gly121Ser variant in COL4A3 has not been previously reported in individual s with hearing loss or Alport syndrome but has been identified in 4/33538 Latino chromosomes by the Genome Aggregation Database (gnomAD; dbSNP rs778886174). Although this variant has been seen in the genera l population, its frequency is not high enough to rule out a pathogenic role. Th is variant has also been reported in ClinVar (Variation ID 522453). Computationa l prediction tools and conservation analysis suggest that the p.Gly121Ser varian t may impact the protein, though this information is not predictive enough to de termine pathogenicity. In summary, the clinical significance of the p.Gly121Ser variant is uncertain. ACMG/AMP Criteria applied: PP3, PM2_Supporting.

Bioscientia Institut fuer Medizinische Diagnostik GmbH, Sonic Healthcare
Classification: Likely pathogenic for Autosomal dominant Alport syndrome. Last evaluated: 2017-09-18. Review status: no assertion criteria provided. Collection method: clinical testing. Allele origin: germline. Affected: yes. Not counted in ClinVar's aggregate classification.

Literature cited by the submitters: PubMed 34632641 (cited by Centre de Génétique Humaine, Institut de Pathologie Et de Génétique and Natera, Inc.); PubMed 33369211 (cited by 3 submitters); PubMed 39810285 (cited by Myriad Genetics, Inc. and Natera, Inc.); PubMed 40303201 (cited by Natera, Inc.); PubMed 9724608 (cited by Ambry Genetics).

NM_000091.5(COL4A3):c.361G>A (p.Gly121Ser)

Genes: MFF-DT (MFF divergent transcript; minus strand), COL4A3 (collagen type IV alpha 3 chain; plus strand). Cytogenetic location: 2q36.3.
Variant type: single nucleotide variant.
Coding change: c.361G>A on transcript NM_000091.5 (MANE Select); coding-DNA position 361, G replaced by A.
Protein change: p.Gly121Ser; replaces glycine 121 with serine.
Molecular consequence: missense variant.
Genome position (GRCh38, 1-based): chr2:227,245,990, G>A. VCF-style: chr2-227245990-G-A. GRCh37 (hg19) VCF-style: chr2-228110706-G-A.
Other names: p.(Gly121Ser); short protein forms G121S.
Identifiers: ClinVar variation 522453 (VCV000522453.24), dbSNP rs778886174, ClinGen allele CA2146063.